The following is an entry in ClinVar:

NM_003737.4(DCHS1):c.1774_1775del (p.Gln592fs)

Gene: DCHS1 (dachsous cadherin-related 1; minus strand). Cytogenetic location: 11p15.4.
Variant type: Deletion.
Coding change: c.1774_1775del on transcript NM_003737.4 (MANE Select); coding-DNA positions 1774 to 1775, 2 bases deleted (CA; older notation c.1774_1775delCA).
Protein change: p.Gln592fs; shifts the reading frame from glutamine 592.
Molecular consequence: frameshift variant.
Genome position (GRCh38, 1-based): chr11:6,639,839-6,639,840, TG deleted on the plus strand (CA on the coding strand, the reverse complement: DCHS1 is on the minus strand). VCF-style (leftmost placement, unchanged base first): chr11-6639838-CTG-C. GRCh37 (hg19) VCF-style: chr11-6661069-CTG-C.
Other names: short protein forms Q592fs.
Identifiers: ClinVar variation 2124973 (VCV002124973.4), dbSNP rs2493839816, ClinGen allele CA2580083982.
Genomic context (GRCh38, chr11:6,639,838, plus strand): 5'-TCCCCCAACACTATCTTGCTATGTGCCAGGCCTACCCACCTGCAGGAAGCAAGTTCCAGG[CTG>C]GGTGCCCTCAGGCAGTGAGGCATTGTAGAAAGTCCTCTGGAATTGGGGCTCATTATCATT-3'

ClinVar aggregate classification (germline): Pathogenic (1 of 4 stars; one submission).

Submission:

Labcorp Genetics (formerly Invitae), Labcorp
Classification: Pathogenic. Last evaluated: 2022-04-11. Review status: criteria provided, single submitter. Criteria: Invitae Variant Classification Sherloc (09022015). Collection method: clinical testing. Allele origin: germline.
Comment: For these reasons, this variant has been classified as Pathogenic. This variant has not been reported in the literature in individuals affected with DCHS1-related conditions. This variant is not present in population databases (gnomAD no frequency). This sequence change creates a premature translational stop signal (p.Gln592Alafs*15) in the DCHS1 gene. It is expected to result in an absent or disrupted protein product. Loss-of-function variants in DCHS1 are known to be pathogenic (PMID: 24056717, 26258302).

Literature cited by the submitters: PubMed 24056717; PubMed 26258302.